The following is an entry in ClinVar:

ClinVar aggregate classification (germline): Uncertain significance. Review status: criteria provided, multiple submitters, no conflicts (2 of 4 stars). 2 submissions from 2 submitters: Uncertain significance (2). Last evaluated 2025-06-09.

Conditions:
Inborn genetic diseases. Identifiers: MedGen C0950123, MeSH D030342.

gnomAD v4.1: 6 of 1,614,046 alleles (0.00037%); highest among the groups gnomAD compares: Middle Eastern, 0.016%; no homozygotes.

Submissions (2):

Ambry Genetics
Classification: Uncertain significance for Inborn genetic diseases. Last evaluated: 2025-06-09. Review status: criteria provided, single submitter. Criteria: Ambry Variant Classification Scheme 2023. Collection method: clinical testing. Allele origin: germline.

Labcorp Genetics (formerly Invitae), Labcorp
Classification: Uncertain significance. Last evaluated: 2023-10-03. Review status: criteria provided, single submitter. Criteria: Invitae Variant Classification Sherloc (09022015). Collection method: clinical testing. Allele origin: germline.
Comment: This sequence change replaces histidine, which is basic and polar, with glutamine, which is neutral and polar, at codon 435 of the SLC24A1 protein (p.His435Gln). This variant is present in population databases (rs770840000, gnomAD 0.009%). This variant has not been reported in the literature in individuals affected with SLC24A1-related conditions. ClinVar contains an entry for this variant (Variation ID: 1058294). An algorithm developed to predict the effect of missense changes on protein structure and function (PolyPhen-2) suggests that this variant is likely to be disruptive. In summary, the available evidence is currently insufficient to determine the role of this variant in disease. Therefore, it has been classified as a Variant of Uncertain Significance.

NM_004727.3(SLC24A1):c.1305C>A (p.His435Gln)

Gene: SLC24A1 (solute carrier family 24 member 1; plus strand). Cytogenetic location: 15q22.31.
Variant type: single nucleotide variant.
Coding change: c.1305C>A on transcript NM_004727.3 (MANE Select); coding-DNA position 1305, C replaced by A.
Protein change: p.His435Gln; replaces histidine 435 with glutamine.
Molecular consequence: missense variant.
Genome position (GRCh38, 1-based): chr15:65,625,385, C>A. VCF-style: chr15-65625385-C-A. GRCh37 (hg19) VCF-style: chr15-65917723-C-A.
Other names: c.1305C>A (NM_004727.2); c.1305C>A, p.His435Gln (NM_001301031.1, NM_001301032.1, NM_001301033.2); short protein forms H435Q.
Identifiers: ClinVar variation 1058294 (VCV001058294.10), dbSNP rs770840000, ClinGen allele CA7619877.